The following is an entry in ClinVar:

ClinVar aggregate classification (germline): Uncertain significance. Review status: criteria provided, multiple submitters, no conflicts (2 of 4 stars). 3 submissions from 3 submitters: Uncertain significance (3). Last evaluated 2025-02-18.

Conditions:
Hereditary cancer-predisposing syndrome. Also called: Neoplastic Syndromes, Hereditary; Hereditary Cancer Syndrome; Hereditary neoplastic syndrome; Tumor predisposition. Identifiers: Orphanet 140162, MedGen C0027672, MeSH D009386, MONDO:0015356.

Allele frequency attached by ClinVar (database versions not stated): TOPMed below 0.00001.
gnomAD v4.1: 1 of 1,583,108 alleles (0.000063%); no homozygotes.

Submissions (3):

Labcorp Genetics (formerly Invitae), Labcorp
Classification: Uncertain significance. Last evaluated: 2025-02-18. Review status: criteria provided, single submitter. Criteria: Invitae Variant Classification Sherloc (09022015). Collection method: clinical testing. Allele origin: germline.
Comment: This sequence change replaces aspartic acid, which is acidic and polar, with valine, which is neutral and non-polar, at codon 1663 of the POLE protein (p.Asp1663Val). This variant is not present in population databases (gnomAD no frequency). This variant has not been reported in the literature in individuals affected with POLE-related conditions. ClinVar contains an entry for this variant (Variation ID: 1058896). Invitae Evidence Modeling of protein sequence and biophysical properties (such as structural, functional, and spatial information, amino acid conservation, physicochemical variation, residue mobility, and thermodynamic stability) indicates that this missense variant is expected to disrupt POLE protein function with a positive predictive value of 80%. In summary, the available evidence is currently insufficient to determine the role of this variant in disease. Therefore, it has been classified as a Variant of Uncertain Significance.

GeneDx
Classification: Uncertain significance. Last evaluated: 2024-08-16. Review status: criteria provided, single submitter. Criteria: GeneDx Variant Classification Process June 2021. Collection method: clinical testing. Allele origin: germline. Affected: yes.
Comment: Not observed at significant frequency in large population cohorts (gnomAD); In silico analysis supports that this missense variant has a deleterious effect on protein structure/function; Has not been previously published as pathogenic or benign to our knowledge

Ambry Genetics
Classification: Uncertain significance for Hereditary cancer-predisposing syndrome. Last evaluated: 2024-05-11. Review status: criteria provided, single submitter. Criteria: Ambry Variant Classification Scheme 2023. Collection method: clinical testing. Allele origin: germline.
Comment: The p.D1663V variant (also known as c.4988A>T), located in coding exon 38 of the POLE gene, results from an A to T substitution at nucleotide position 4988. The aspartic acid at codon 1663 is replaced by valine, an amino acid with highly dissimilar properties. This amino acid position is conserved. In addition, this alteration is predicted to be deleterious by in silico analysis. Since supporting evidence is limited at this time, the clinical significance of this alteration remains unclear.

NM_006231.4(POLE):c.4988A>T (p.Asp1663Val)

Gene: POLE (DNA polymerase epsilon, catalytic subunit; minus strand). Cytogenetic location: 12q24.33.
Variant type: single nucleotide variant.
Coding change: c.4988A>T on transcript NM_006231.4 (MANE Select); coding-DNA position 4988, A replaced by T.
Protein change: p.Asp1663Val; replaces aspartic acid 1663 with valine.
Molecular consequence: missense variant.
Genome position (GRCh38, 1-based): chr12:132,642,362, T>A on the plus strand (A>T on the coding strand, the complement: POLE is on the minus strand). VCF-style: chr12-132642362-T-A. GRCh37 (hg19) VCF-style: chr12-133218948-T-A.
Other names: short protein forms D1663V.
Identifiers: ClinVar variation 1058896 (VCV001058896.12), dbSNP rs2042165436, ClinGen allele CA387377522.
Genomic context (GRCh38, chr12:132,642,362, plus strand): 5'-AGGTGGTTGTGGCGCTGGAGGTGGCGGGCAAAGAAGAGGTCGGAGCCGAATGTGGAGATG[T>A]CCTCTGGTAGGTTCCCAATGGGAATGTGAAAGTACCTGCACCAGGGCACAGGTCAGCACC-3'
Protein context (NP_006222.2, residues 1653-1673): FHIPIGNLPE[Asp1663Val]ISTFGSDLFF